The following is an entry in ClinVar:

ClinVar aggregate classification (germline): Uncertain significance (1 of 4 stars; one submission).

Submission:

Labcorp Genetics (formerly Invitae), Labcorp
Classification: Uncertain significance. Last evaluated: 2025-09-09. Review status: criteria provided, single submitter. Criteria: Invitae Variant Classification Sherloc (09022015). Collection method: clinical testing. Allele origin: germline.
Comment: This sequence change replaces proline, which is neutral and non-polar, with alanine, which is neutral and non-polar, at codon 85 of the IRF2BP2 protein (p.Pro85Ala). This variant is not present in population databases (gnomAD no frequency). This variant has not been reported in the literature in individuals affected with IRF2BP2-related conditions. ClinVar contains an entry for this variant (Variation ID: 3697006). An algorithm developed to predict the effect of missense changes on protein structure and function (PolyPhen-2) suggests that this variant is likely to be tolerated. In summary, the available evidence is currently insufficient to determine the role of this variant in disease. Therefore, it has been classified as a Variant of Uncertain Significance.

NM_182972.3(IRF2BP2):c.253C>G (p.Pro85Ala)

Genes: IRF2BP2 (interferon regulatory factor 2 binding protein 2; minus strand), LOC129932812 (ATAC-STARR-seq lymphoblastoid silent region 1977; plus strand). Cytogenetic location: 1q42.3.
Variant type: single nucleotide variant.
Coding change: c.253C>G on transcript NM_182972.3 (MANE Select); coding-DNA position 253, C replaced by G.
Protein change: p.Pro85Ala; replaces proline 85 with alanine.
Molecular consequence: missense variant.
Genome position (GRCh38, 1-based): chr1:234,609,242, G>C on the plus strand (C>G on the coding strand, the complement: IRF2BP2 is on the minus strand). VCF-style: chr1-234609242-G-C. GRCh37 (hg19) VCF-style: chr1-234744988-G-C.
Other names: c.253C>G, p.Pro85Ala (NM_001077397.1); short protein forms P85A.
Identifiers: ClinVar variation 3697006 (VCV003697006.2).